The following is an entry in ClinVar:

ClinVar aggregate classification (germline): Conflicting classifications of pathogenicity. Review status: criteria provided, conflicting classifications (1 of 4 stars). 6 submissions from 6 submitters: Uncertain significance (1); Likely benign (5). Last evaluated 2026-08-24.

Conditions:
ADGRV1-related disorder. Also called: ADGRV1-related disorders; ADGRV1-related condition.
Usher syndrome type 2C. Also called: Usher syndrome, type 2B; USHER SYNDROME, TYPE IIC. Identifiers: Orphanet 231178, Orphanet 886, MedGen C2931213, MONDO:0011558, OMIM 605472.

Allele frequency attached by ClinVar (database versions not stated): gnomAD 0.00001 and 0.00003; gnomAD exomes 0.00004 and 0.00006; ExAC 0.00005; ESP Exome Variant Server 0.00008; TOPMed 0.00009.
gnomAD v4.1: 99 of 1,613,120 alleles (0.0061%); highest among the groups gnomAD compares: Admixed American, 0.012%; no homozygotes.

Submissions (6):

PreventionGenetics, part of Exact Sciences
Classification: Likely benign for ADGRV1-related condition. Last evaluated: 2026-08-24. Review status: criteria provided, single submitter. Criteria: ACMG Guidelines, 2015. Collection method: clinical testing. Allele origin: germline.
Comment: This variant is classified as likely benign based on ACMG/AMP sequence variant interpretation guidelines (Richards et al. 2015 PMID: 25741868, with internal and published modifications).

Labcorp Genetics (formerly Invitae), Labcorp
Classification: Likely benign. Last evaluated: 2025-06-14. Review status: criteria provided, single submitter. Criteria: Invitae Variant Classification Sherloc (09022015). Collection method: clinical testing. Allele origin: germline.

Blueprint Genetics
Classification: Likely benign. Last evaluated: 2024-09-11. Review status: criteria provided, single submitter. Criteria: ACMG Guidelines, 2015. Collection method: clinical testing. Allele origin: germline.

GeneDx
Classification: Likely benign. Last evaluated: 2019-12-24. Review status: criteria provided, single submitter. Criteria: GeneDx Variant Classification Process June 2021. Collection method: clinical testing. Allele origin: germline. Affected: yes.

Illumina Laboratory Services, Illumina
Classification: Uncertain significance for Usher syndrome type 2C. Last evaluated: 2018-01-12. Review status: criteria provided, single submitter. Criteria: ICSL Variant Classification Criteria 13 December 2019. Collection method: clinical testing. Allele origin: germline.

Laboratory for Molecular Medicine, Mass General Brigham Personalized Medicine
Classification: Likely benign. Last evaluated: 2009-11-24. Review status: criteria provided, single submitter. Criteria: LMM Criteria. Collection method: clinical testing. Allele origin: germline. Observed: 1 variant allele.

NM_032119.4(ADGRV1):c.4119G>A (p.Ala1373=)

Gene: ADGRV1 (adhesion G protein-coupled receptor V1; plus strand). Cytogenetic location: 5q14.3.
Variant type: single nucleotide variant.
Coding change: c.4119G>A on transcript NM_032119.4 (MANE Select); coding-DNA position 4119, G replaced by A.
Protein change: p.Ala1373=; no amino-acid change (alanine 1373 retained).
Molecular consequence: synonymous variant. On other transcripts: non-coding transcript variant (1).
Genome position (GRCh38, 1-based): chr5:90,653,693, G>A. VCF-style: chr5-90653693-G-A. GRCh37 (hg19) VCF-style: chr5-89949510-G-A.
Identifiers: ClinVar variation 46324 (VCV000046324.22), dbSNP rs111033484, ClinGen allele CA138122.